The following is an entry in ClinVar:

NM_145059.3(FCSK):c.1615C>T (p.Arg539Trp)

Gene: FCSK (fucose kinase; plus strand). Cytogenetic location: 16q22.1.
Variant type: single nucleotide variant.
Coding change: c.1615C>T on transcript NM_145059.3 (MANE Select); coding-DNA position 1615, C replaced by T.
Protein change: p.Arg539Trp; replaces arginine 539 with tryptophan.
Molecular consequence: missense variant.
Genome position (GRCh38, 1-based): chr16:70,473,191, C>T. VCF-style: chr16-70473191-C-T. GRCh37 (hg19) VCF-style: chr16-70507094-C-T.
Other names: short protein forms R539W.
Identifiers: ClinVar variation 2999194 (VCV002999194.3), dbSNP rs753291011, ClinGen allele CA283470739.

ClinVar aggregate classification (germline): Uncertain significance (1 of 4 stars; one submission).

gnomAD v4.1: 29 of 1,538,796 alleles (0.0019%); highest among the groups gnomAD compares: African/African-American, 0.019%; no homozygotes.

Submission:

Labcorp Genetics (formerly Invitae), Labcorp
Classification: Uncertain significance. Last evaluated: 2025-09-02. Review status: criteria provided, single submitter. Criteria: Invitae Variant Classification Sherloc (09022015). Collection method: clinical testing. Allele origin: germline.
Comment: This sequence change replaces arginine, which is basic and polar, with tryptophan, which is neutral and slightly polar, at codon 539 of the FUK protein (p.Arg539Trp). This variant is present in population databases (no rsID available, gnomAD 0.01%). This variant has not been reported in the literature in individuals affected with FUK-related conditions. ClinVar contains an entry for this variant (Variation ID: 2999194). An algorithm developed to predict the effect of missense changes on protein structure and function (PolyPhen-2) suggests that this variant is likely to be disruptive. In summary, the available evidence is currently insufficient to determine the role of this variant in disease. Therefore, it has been classified as a Variant of Uncertain Significance.